The following is an entry in ClinVar:

ClinVar aggregate classification (germline): Uncertain significance (1 of 4 stars; one submission).

Conditions:
Combined malonic and methylmalonic acidemia. Identifiers: Orphanet 289504, MedGen C3280314, MONDO:0013661, OMIM 614265.

Allele frequency attached by ClinVar (database versions not stated): gnomAD exomes below 0.00001; gnomAD 0.00001.
gnomAD v4.1: 2 of 1,613,170 alleles (0.00012%); highest among the groups gnomAD compares: Admixed American, 0.0033%; no homozygotes.

Submission:

Labcorp Genetics (formerly Invitae), Labcorp
Classification: Uncertain significance for Combined malonic and methylmalonic acidemia. Last evaluated: 2020-05-22. Review status: criteria provided, single submitter. Criteria: Invitae Variant Classification Sherloc (09022015). Collection method: clinical testing. Allele origin: germline.
Comment: In summary, the available evidence is currently insufficient to determine the role of this variant in disease. Therefore, it has been classified as a Variant of Uncertain Significance. Algorithms developed to predict the effect of missense changes on protein structure and function are either unavailable or do not agree on the potential impact of this missense change (SIFT: "Tolerated"; PolyPhen-2: "Probably Damaging"; Align-GVGD: "Class C0"). This variant has not been reported in the literature in individuals with ACSF3-related conditions. This variant is not present in population databases (ExAC no frequency). This sequence change replaces alanine with threonine at codon 363 of the ACSF3 protein (p.Ala363Thr). The alanine residue is highly conserved and there is a small physicochemical difference between alanine and threonine.

NM_001243279.3(ACSF3):c.1087G>A (p.Ala363Thr)

Genes: ACSF3 (acyl-CoA synthetase family member 3; plus strand), LOC125177393 (P300/CBP strongly-dependent group 1 enhancer GRCh37_chr16:89180375-89181574; plus strand). Cytogenetic location: 16q24.3.
Variant type: single nucleotide variant.
Coding change: c.1087G>A on transcript NM_001243279.3 (MANE Select); coding-DNA position 1087, G replaced by A.
Protein change: p.Ala363Thr; replaces alanine 363 with threonine.
Molecular consequence: missense variant. On other transcripts: non-coding transcript variant (2).
Genome position (GRCh38, 1-based): chr16:89,114,448, G>A. VCF-style: chr16-89114448-G-A. GRCh37 (hg19) VCF-style: chr16-89180856-G-A.
Other names: c.1087G>A, p.Ala363Thr (NM_001127214.4, NM_174917.5); c.292G>A, p.Ala98Thr (NM_001284316.2); short protein forms A363T, A98T.
Identifiers: ClinVar variation 1024246 (VCV001024246.9), dbSNP rs1184733927, ClinGen allele CA397140518.